The following is an entry in ClinVar:

ClinVar aggregate classification (germline): Conflicting classifications of pathogenicity. Review status: criteria provided, conflicting classifications (1 of 4 stars). 3 submissions from 3 submitters: Likely pathogenic (1); Uncertain significance (2). Last evaluated 2025-01-09.

Conditions:
Autosomal recessive nonsyndromic hearing loss 12. Also called: DEAFNESS, AUTOSOMAL RECESSIVE 12. Identifiers: Orphanet 90636, MedGen C1832394, MONDO:0011067, OMIM 601386.

Allele frequency attached by ClinVar (database versions not stated): ExAC 0.00001; gnomAD 0.00001; gnomAD exomes 0.00001; TOPMed 0.00002; ESP Exome Variant Server 0.00008.
gnomAD v4.1: 5 of 1,613,800 alleles (0.00031%); highest among the groups gnomAD compares: East Asian, 0.0045%; no homozygotes.

Submissions (3):

Institute of Rare Diseases, West China Hospital, Sichuan University
Classification: Likely pathogenic for Autosomal recessive nonsyndromic hearing loss 12. Last evaluated: 2025-01-09. Review status: criteria provided, single submitter. Criteria: ClinGen HL ACMG Specifications v1. Collection method: research. Allele origin: germline. Affected: yes.
Comment: PM3_Strong;PM2_Supporting;PP3

Labcorp Genetics (formerly Invitae), Labcorp
Classification: Uncertain significance. Last evaluated: 2024-05-18. Review status: criteria provided, single submitter. Criteria: Invitae Variant Classification Sherloc (09022015). Collection method: clinical testing. Allele origin: germline.
Comment: This sequence change replaces glycine, which is neutral and non-polar, with serine, which is neutral and polar, at codon 185 of the CDH23 protein (p.Gly185Ser). This variant is present in population databases (rs375465342, gnomAD 0.007%). This variant has not been reported in the literature in individuals affected with CDH23-related conditions. ClinVar contains an entry for this variant (Variation ID: 1705380). Advanced modeling of protein sequence and biophysical properties (such as structural, functional, and spatial information, amino acid conservation, physicochemical variation, residue mobility, and thermodynamic stability) has been performed at Invitae for this missense variant, however the output from this modeling did not meet the statistical confidence thresholds required to predict the impact of this variant on CDH23 protein function. In summary, the available evidence is currently insufficient to determine the role of this variant in disease. Therefore, it has been classified as a Variant of Uncertain Significance.

3billion
Classification: Uncertain significance for Autosomal recessive nonsyndromic hearing loss 12. Last evaluated: 2022-09-01. Review status: criteria provided, single submitter. Criteria: ACMG Guidelines, 2015. Collection method: clinical testing. Allele origin: germline. Affected: yes. Observed: 1 heterozygote.
Comment: The variant is observed at an extremely low frequency in the gnomAD v2.1.1 dataset (total allele frequency: <0.001%). While this variant results in missense change, protein truncation variants are a common disease-causing mechanism. In silico tool predictions suggest damaging effect of the variant on gene or gene product (REVEL: 0.89; 3Cnet: 0.77). Therefore, this variant is classified as uncertain significance according to the recommendation of ACMG/AMP guideline.

NM_022124.6(CDH23):c.553G>A (p.Gly185Ser)

Gene: CDH23 (cadherin related 23; plus strand). Cytogenetic location: 10q22.1.
Variant type: single nucleotide variant.
Coding change: c.553G>A on transcript NM_022124.6 (MANE Select); coding-DNA position 553, G replaced by A.
Protein change: p.Gly185Ser; replaces glycine 185 with serine.
Molecular consequence: missense variant.
Genome position (GRCh38, 1-based): chr10:71,566,865, G>A. VCF-style: chr10-71566865-G-A. GRCh37 (hg19) VCF-style: chr10-73326622-G-A.
Other names: c.553G>A, p.Gly185Ser (NM_001171930.2, NM_001171931.2, NM_001171932.2 and 1 more transcripts); short protein forms G185S.
Identifiers: ClinVar variation 1705380 (VCV001705380.3), dbSNP rs375465342, ClinGen allele CA5543471.